The following is an entry in ClinVar:

ClinVar aggregate classification (germline): Pathogenic (1 of 4 stars; one submission).

Conditions:
Hereditary cancer-predisposing syndrome. Also called: Hereditary Cancer Syndrome; Tumor predisposition; Hereditary neoplastic syndrome; Neoplastic Syndromes, Hereditary. Identifiers: Orphanet 140162, MedGen C0027672, MeSH D009386, MONDO:0015356.

Submission:

Ambry Genetics
Classification: Pathogenic for Hereditary cancer-predisposing syndrome. Last evaluated: 2024-05-24. Review status: criteria provided, single submitter. Criteria: Ambry Variant Classification Scheme 2023. Collection method: clinical testing. Allele origin: germline.
Comment: The c.2078_2079delGT pathogenic mutation, located in coding exon 10 of the BRCA2 gene, results from a deletion of two nucleotides at nucleotide positions 2078 to 2079, causing a translational frameshift with a predicted alternate stop codon (p.C693*). This variant is considered to be rare based on population cohorts in the Genome Aggregation Database (gnomAD). This alteration is expected to result in loss of function by premature protein truncation or nonsense-mediated mRNA decay. As such, this alteration is interpreted as a disease-causing mutation.

NM_000059.4(BRCA2):c.2078_2079del (p.Lys692_Cys693insTer)

Gene: BRCA2 (BRCA2 DNA repair associated; plus strand). Cytogenetic location: 13q13.1.
Variant type: Deletion.
Coding change: c.2078_2079del on transcript NM_000059.4 (MANE Select); coding-DNA positions 2078 to 2079, 2 bases deleted (GT; older notation c.2078_2079delGT).
Protein change: p.Lys692_Cys693insTer.
Molecular consequence: nonsense. On other transcripts: non-coding transcript variant (1), intron variant (2).
Genome position (GRCh38, 1-based): chr13:32,336,433-32,336,434, GT deleted; deleting any 2 consecutive bases within chr13:32,336,432-32,336,434 gives the same sequence; the c. name uses the placement nearest the transcript's 3' end. VCF-style (leftmost placement, unchanged base first): chr13-32336431-ATG-A. GRCh37 (hg19) VCF-style: chr13-32910568-ATG-A.
Other names: c.2078_2079del, p.Lys692_Cys693insTer (NM_001406719.1, NM_001406720.1); c.1909+3046_1909+3047del (NM_001406721.1); c.424+5403_424+5404del (NM_001406722.1).
Identifiers: ClinVar variation 3261618 (VCV003261618.1).